The following is an entry in ClinVar:

NM_000489.6(ATRX):c.3004G>T (p.Val1002Leu)

Gene: ATRX (ATRX chromatin remodeler; minus strand). Cytogenetic location: Xq21.1.
Variant type: single nucleotide variant.
Coding change: c.3004G>T on transcript NM_000489.6 (MANE Select); coding-DNA position 3004, G replaced by T.
Protein change: p.Val1002Leu; replaces valine 1002 with leucine.
Molecular consequence: missense variant.
Genome position (GRCh38, 1-based): chrX:77,682,252, C>A on the plus strand (G>T on the coding strand, the complement: ATRX is on the minus strand). VCF-style: chrX-77682252-C-A. GRCh37 (hg19) VCF-style: chrX-76937744-C-A.
Other names: c.2890G>T, p.Val964Leu (NM_138270.5); short protein forms V1002L, V964L.
Identifiers: ClinVar variation 3061116 (VCV003061116.2), dbSNP rs2148583853, ClinGen allele CA413708836.

ClinVar aggregate classification (germline): Uncertain significance (0 of 4 stars; one submission).

Conditions:
ATRX-related disorder. Also called: ATRX-related condition.

Allele frequency attached by ClinVar (database versions not stated): gnomAD exomes below 0.00001.

Submission:

PreventionGenetics, part of Exact Sciences
Classification: Uncertain significance for ATRX-related condition. Last evaluated: 2024-01-30. Review status: no assertion criteria provided. Collection method: clinical testing. Allele origin: germline.
Comment: The ATRX c.3004G>T variant is predicted to result in the amino acid substitution p.Val1002Leu. To our knowledge, this variant has not been reported in the literature or in a large population database, indicating this variant is rare. At this time, the clinical significance of this variant is uncertain due to the absence of conclusive functional and genetic evidence.